The following is an entry in ClinVar:

ClinVar aggregate classification (germline): Uncertain significance (1 of 4 stars; one submission).

Conditions:
VWF-related disorder. Also called: VWF-related condition; VWF-related disorders.

gnomAD v4.1: 9 of 1,613,724 alleles (0.00056%); highest among the groups gnomAD compares: Non-Finnish European, 0.00068%; no homozygotes.

Submission:

PreventionGenetics, part of Exact Sciences
Classification: Uncertain significance for VWF-related condition. Last evaluated: 2023-05-04. Review status: criteria provided, single submitter. Criteria: ACMG Guidelines, 2015. Collection method: clinical testing. Allele origin: germline.
Comment: The VWF c.7098G>T variant is predicted to result in the amino acid substitution p.Glu2366Asp. To our knowledge, this variant has not been reported in the literature or in a large population database, indicating this variant is rare. At this time, the clinical significance of this variant is uncertain due to the absence of conclusive functional and genetic evidence.

NM_000552.5(VWF):c.7098G>T (p.Glu2366Asp)

Gene: VWF (von Willebrand factor; minus strand). Cytogenetic location: 12p13.31.
Variant type: single nucleotide variant.
Coding change: c.7098G>T on transcript NM_000552.5 (MANE Select); coding-DNA position 7098, G replaced by T.
Protein change: p.Glu2366Asp; replaces glutamic acid 2366 with aspartic acid.
Molecular consequence: missense variant.
Genome position (GRCh38, 1-based): chr12:5,981,975, C>A on the plus strand (G>T on the coding strand, the complement: VWF is on the minus strand). VCF-style: chr12-5981975-C-A. GRCh37 (hg19) VCF-style: chr12-6091141-C-A.
Other names: short protein forms E2366D.
Identifiers: ClinVar variation 2632884 (VCV002632884.1), dbSNP rs2497421678, ClinGen allele CA383491332.
Genomic context (GRCh38, chr12:5,981,975, plus strand): 5'-GGTCTTCCGAAGGGTGGGCAAACGGTGCGGGGGGCAGGAGGGTGGGGACACTCTTTTGCA[C>A]TCCTCCTTCCTGCAGGCTGAGGGTAGGACAAGGCCACACTGAGCACTGCGCCCAGCCAGG-3'
Protein context (NP_000543.3, residues 2356-2376): PNFTCACRKE[Glu2366Asp]CKRVSPPSCP